The following is an entry in ClinVar:

ClinVar aggregate classification (germline): Conflicting classifications of pathogenicity. Review status: criteria provided, conflicting classifications (1 of 4 stars). 5 submissions from 5 submitters: Uncertain significance (2); Likely benign (3). Last evaluated 2025-11-25.

Conditions:
Inborn genetic diseases. Identifiers: MedGen C0950123, MeSH D030342.
Cerebellar ataxia, impaired intellectual development, and dysequilibrium syndrome 2. Also called: Cerebellar ataxia, intellectual disability, and dysequilibrium syndrome 2; CEREBELLAR ATAXIA, MENTAL RETARDATION, AND DYSEQUILIBRIUM SYNDROME 2; CEREBELLAR ATAXIA AND MENTAL RETARDATION WITH OR WITHOUT QUADRUPEDAL LOCOMOTION 2. Identifiers: Orphanet 1766, MedGen C2750234, MONDO:0012430, OMIM 610185.

Allele frequency attached by ClinVar (database versions not stated): 1000 Genomes Project 30x 0.00016; TOPMed 0.00036; 1000 Genomes Project 0.00020; ESP Exome Variant Server 0.00031; gnomAD 0.00061.
gnomAD v4.1: 704 of 1,587,240 alleles (0.044%); highest among the groups gnomAD compares: Non-Finnish European, 0.056%; 4 homozygotes.

Submissions (5):

Mayo Clinic Laboratories, Mayo Clinic
Classification: Likely benign. Last evaluated: 2025-11-25. Review status: criteria provided, single submitter. Criteria: ACMG Guidelines, 2015. Collection method: clinical testing. Allele origin: germline. Observed: 2 variant alleles.
Comment: BS2, BP4_moderate

Women's Health and Genetics/Laboratory Corporation of America, LabCorp
Classification: Likely benign. Last evaluated: 2024-05-31. Review status: criteria provided, single submitter. Criteria: LabCorp Variant Classification Summary - May 2015. Collection method: clinical testing. Allele origin: germline.
Comment: Variant summary: WDR81 c.3115G>A (p.Ala1039Thr) results in a non-conservative amino acid change in the encoded protein sequence. Two of three in-silico tools predict a benign effect of the variant on protein function. The variant allele was found at a frequency of 0.00045 in 1580346 control chromosomes, predominantly at a frequency of 0.00056 within the Non-Finnish European subpopulation in the gnomAD database (v4.1 dataset), including 4 homozygotes. To our knowledge, no occurrence of c.3115G>A in individuals affected with Cerebellar Ataxia, Intellectual Disability, And Dysequilibrium Syndrome 2 and no experimental evidence demonstrating its impact on protein function have been reported. ClinVar contains an entry for this variant (Variation ID: 377255). Based on the evidence outlined above, the variant was classified as likely benign.

Ambry Genetics
Classification: Uncertain significance for Inborn genetic diseases. Last evaluated: 2022-08-03. Review status: criteria provided, single submitter. Criteria: Ambry Variant Classification Scheme 2023. Collection method: clinical testing. Allele origin: germline.

Baylor Genetics
Classification: Uncertain significance for Cerebellar ataxia, impaired intellectual development, and dysequilibrium syndrome 2. Last evaluated: 2018-01-18. Review status: criteria provided, single submitter. Criteria: ACMG Guidelines, 2015. Collection method: clinical testing. Allele origin: paternal. Affected: yes.
Comment: This variant was determined to be of uncertain significance according to ACMG Guidelines, 2015 [PMID:25741868].

Center for Pediatric Genomic Medicine, Children's Mercy Hospital and Clinics
Classification: Likely benign. Last evaluated: 2016-09-15. Review status: criteria provided, single submitter. Criteria: ACMG Guidelines, 2015. Collection method: clinical testing. Allele origin: germline.
ClinVar note: Converted during submission from Likely Benign to Likely benign.

NM_001163809.2(WDR81):c.3115G>A (p.Ala1039Thr)

Gene: WDR81 (WD repeat domain 81; plus strand). Cytogenetic location: 17p13.3.
Variant type: single nucleotide variant.
Coding change: c.3115G>A on transcript NM_001163809.2 (MANE Select); coding-DNA position 3115, G replaced by A.
Protein change: p.Ala1039Thr; replaces alanine 1039 with threonine.
Molecular consequence: missense variant. On other transcripts: 5 prime UTR variant (1), intron variant (2).
Genome position (GRCh38, 1-based): chr17:1,728,074, G>A. VCF-style: chr17-1728074-G-A. GRCh37 (hg19) VCF-style: chr17-1631368-G-A.
Other names: p.Ala1039Thr; c.-39G>A (NM_152348.4); c.59-2306G>A (NM_001163673.2); c.-14-2306G>A (NM_001163811.2); short protein forms A1039T.
Identifiers: ClinVar variation 377255 (VCV000377255.9), dbSNP rs369748157, ClinGen allele CA8273180.
Genomic context (GRCh38, chr17:1,728,074, plus strand): 5'-CAGGAGGAGAGCAAGGACCTGGCAGGGGCTGCTGAGGAGGAGGAGAGCGGGCTGCCCGGG[G>A]CCGGGCCTGGCTCCTGTGCTTTTGGGGAGGAGATTCCCATGGATGGGGAGCCTCCTGCCT-3'
Protein context (NP_001157281.1, residues 1029-1049): AEEEESGLPG[Ala1039Thr]GPGSCAFGEE